The following is an entry in ClinVar:

ClinVar aggregate classification (germline): Uncertain significance. Review status: criteria provided, multiple submitters, no conflicts (2 of 4 stars). 2 submissions from 2 submitters: Uncertain significance (2). Last evaluated 2025-12-15.

Conditions:
Cardiovascular phenotype. Identifiers: MedGen CN230736.
Dilated cardiomyopathy 1O (CMD1O). Also called: CARDIOMYOPATHY, DILATED, WITH VENTRICULAR TACHYCARDIA. Identifiers: Orphanet 154, MedGen C1837839, MONDO:0012062, OMIM 608569.

Allele frequency attached by ClinVar (database versions not stated): gnomAD exomes below 0.00001; TOPMed 0.00002.
gnomAD v4.1: 6 of 1,611,598 alleles (0.00037%); highest among the groups gnomAD compares: Non-Finnish European, 0.00034%; no homozygotes.

Submissions (2):

Ambry Genetics
Classification: Uncertain significance for Cardiovascular phenotype. Last evaluated: 2025-12-15. Review status: criteria provided, single submitter. Criteria: Ambry Variant Classification Scheme 2023. Collection method: clinical testing. Allele origin: germline.
Comment: The p.N1429Y variant (also known as c.4285A>T), located in coding exon 35 of the ABCC9 gene, results from an A to T substitution at nucleotide position 4285. The asparagine at codon 1429 is replaced by tyrosine, an amino acid with dissimilar properties. This amino acid position is well conserved in available vertebrate species. In addition, the in silico prediction for this alteration is inconclusive. Based on the available evidence, the clinical significance of this variant remains unclear.

Labcorp Genetics (formerly Invitae), Labcorp
Classification: Uncertain significance for Dilated cardiomyopathy 1O. Last evaluated: 2025-11-28. Review status: criteria provided, single submitter. Criteria: Invitae Variant Classification Sherloc (09022015). Collection method: clinical testing. Allele origin: germline.
Comment: This sequence change replaces asparagine, which is neutral and polar, with tyrosine, which is neutral and polar, at codon 1429 of the ABCC9 protein (p.Asn1429Tyr). This variant is not present in population databases (gnomAD no frequency). This variant has not been reported in the literature in individuals affected with ABCC9-related conditions. ClinVar contains an entry for this variant (Variation ID: 1383283). Invitae Evidence Modeling of protein sequence and biophysical properties (such as structural, functional, and spatial information, amino acid conservation, physicochemical variation, residue mobility, and thermodynamic stability) indicates that this missense variant is not expected to disrupt ABCC9 protein function with a negative predictive value of 80%. In summary, the available evidence is currently insufficient to determine the role of this variant in disease. Therefore, it has been classified as a Variant of Uncertain Significance.

NM_020297.4(ABCC9):c.4285A>T (p.Asn1429Tyr)

Genes: ABCC9 (ATP binding cassette subfamily C member 9; minus strand), KCNJ8-AS1 (KCNJ8 antisense RNA 1; plus strand). Cytogenetic location: 12p12.1.
Variant type: single nucleotide variant.
Coding change: c.4285A>T on transcript NM_020297.4 (MANE Select); coding-DNA position 4285, A replaced by T.
Protein change: p.Asn1429Tyr; replaces asparagine 1429 with tyrosine.
Molecular consequence: missense variant.
Genome position (GRCh38, 1-based): chr12:21,809,882, T>A on the plus strand (A>T on the coding strand, the complement: ABCC9 is on the minus strand). VCF-style: chr12-21809882-T-A. GRCh37 (hg19) VCF-style: chr12-21962816-T-A.
Other names: c.4285A>T, p.Asn1429Tyr (NM_001377273.1, NM_005691.4); c.3418A>T, p.Asn1140Tyr (NM_001377274.1); short protein forms N1429Y, N1140Y.
Identifiers: ClinVar variation 1383283 (VCV001383283.11), dbSNP rs1178982626, ClinGen allele CA384133094.